The following is an entry in ClinVar:

NM_001144967.3(NEDD4L):c.2465A>C (p.Lys822Thr)

Gene: NEDD4L (NEDD4 like E3 ubiquitin protein ligase; plus strand). Cytogenetic location: 18q21.31.
Variant type: single nucleotide variant.
Coding change: c.2465A>C on transcript NM_001144967.3 (MANE Select); coding-DNA position 2465, A replaced by C.
Protein change: p.Lys822Thr; replaces lysine 822 with threonine.
Molecular consequence: missense variant.
Genome position (GRCh38, 1-based): chr18:58,385,564, A>C. VCF-style: chr18-58385564-A-C. GRCh37 (hg19) VCF-style: chr18-56052796-A-C.
Other names: c.2102A>C, p.Lys701Thr (NM_001144964.1, NM_001144965.2, NM_001144966.3); c.2441A>C, p.Lys814Thr (NM_001144968.2); c.2381A>C, p.Lys794Thr (NM_001144969.2); c.2042A>C, p.Lys681Thr (NM_001144970.3, NM_001144971.2); c.2273A>C, p.Lys758Thr (NM_001243960.2); c.2405A>C, p.Lys802Thr (NM_015277.6); short protein forms K681T, K701T, K758T, K794T, K802T, K814T, K822T.
Identifiers: ClinVar variation 1022178 (VCV001022178.7), dbSNP rs778557607, ClinGen allele CA8975955.
Genomic context (GRCh38, chr18:58,385,564, plus strand): 5'-ATTGTCCTCTTTTCTCCTGCAGCTTAGTCATCCAGTGGAGATTTGTGAACAGGGTCCAGA[A>C]GCAGATGAACGCCTTCTTGGAGGTAAGCCATGCTGGCCAGGGTTCTCTGCCATGTGCCTC-3'
Protein context (NP_001138439.1, residues 812-832): IQWRFVNRVQ[Lys822Thr]QMNAFLEGFT

ClinVar aggregate classification (germline): Uncertain significance. Review status: criteria provided, multiple submitters, no conflicts (2 of 4 stars). 2 submissions from 2 submitters: Uncertain significance (2). Last evaluated 2024-05-27.

Conditions:
Periventricular nodular heterotopia 7 (PVNH7). Identifiers: MedGen C4310669, MONDO:0014966, OMIM 617201.

Allele frequency attached by ClinVar (database versions not stated): ExAC 0.00001; gnomAD 0.00001; gnomAD exomes 0.00001; TOPMed 0.00001.
gnomAD v4.1: 10 of 1,613,800 alleles (0.00062%); highest among the groups gnomAD compares: Admixed American, 0.0017%; no homozygotes.

Submissions (2):

Labcorp Genetics (formerly Invitae), Labcorp
Classification: Uncertain significance. Last evaluated: 2024-05-27. Review status: criteria provided, single submitter. Criteria: Invitae Variant Classification Sherloc (09022015). Collection method: clinical testing. Allele origin: germline.
Comment: This sequence change replaces lysine, which is basic and polar, with threonine, which is neutral and polar, at codon 802 of the NEDD4L protein (p.Lys802Thr). This variant is present in population databases (rs778557607, gnomAD 0.002%). This variant has not been reported in the literature in individuals affected with NEDD4L-related conditions. ClinVar contains an entry for this variant (Variation ID: 1022178). Advanced modeling of protein sequence and biophysical properties (such as structural, functional, and spatial information, amino acid conservation, physicochemical variation, residue mobility, and thermodynamic stability) performed at Invitae indicates that this missense variant is not expected to disrupt NEDD4L protein function with a negative predictive value of 80%. In summary, the available evidence is currently insufficient to determine the role of this variant in disease. Therefore, it has been classified as a Variant of Uncertain Significance.

Fulgent Genetics
Classification: Uncertain significance for Periventricular nodular heterotopia 7. Last evaluated: 2022-03-02. Review status: criteria provided, single submitter. Criteria: ACMG Guidelines, 2015. Collection method: clinical testing. Allele origin: unknown.